The following is an entry in ClinVar:

ClinVar aggregate classification (germline): Uncertain significance (1 of 4 stars; one submission).

Conditions:
Ehlers-Danlos syndrome, type 4 (EDSVASC). Also called: Ehlers-Danlos Syndrome Type IV; Ehlers-Danlos syndrome vascular type; Ehlers Danlos syndrome, ecchymotic type; Ehlers Danlos syndrome, arterial type; Ehlers Danlos syndrome, Sack-Barabas type. Identifiers: Orphanet 286, MedGen C0268338, MONDO:0017314, OMIM 130050.

Submission:

All of Us Research Program, National Institutes of Health
Classification: Uncertain significance for Ehlers-Danlos syndrome, type 4. Last evaluated: 2023-05-31. Review status: criteria provided, single submitter. Criteria: ACMG Guidelines, 2015. Collection method: clinical testing. Allele origin: germline. Inheritance: Autosomal dominant inheritance. Observed: 1 variant allele, 1 heterozygote.
Comment: This study involves interpretation of variants in research participants for the purpose of population health screening. Participant phenotype was not available at the time of variant classification. Additional details can be found in publication PMID: 35346344, PMCID: PMC8962531

NM_000090.4(COL3A1):c.3748A>G (p.Ser1250Gly)

Gene: COL3A1 (collagen type III alpha 1 chain; plus strand). Cytogenetic location: 2q32.2.
Variant type: single nucleotide variant.
Coding change: c.3748A>G on transcript NM_000090.4 (MANE Select); coding-DNA position 3748, A replaced by G.
Protein change: p.Ser1250Gly; replaces serine 1250 with glycine.
Molecular consequence: missense variant.
Genome position (GRCh38, 1-based): chr2:189,009,146, A>G. VCF-style: chr2-189009146-A-G. GRCh37 (hg19) VCF-style: chr2-189873872-A-G.
Other names: short protein forms S1250G.
Identifiers: ClinVar variation 3071389 (VCV003071389.1), dbSNP rs2469166412, ClinGen allele CA349847502.